The following is an entry in ClinVar:

ClinVar aggregate classification (germline): Conflicting classifications of pathogenicity. Review status: criteria provided, conflicting classifications (1 of 4 stars). 3 submissions from 3 submitters: Uncertain significance (1); Benign (1); Likely benign (1). Last evaluated 2026-01-06.

Conditions:
Microcephaly 5, primary, autosomal recessive (MCPH5). Also called: ASPM Primary Microcephaly. Identifiers: Orphanet 2512, MedGen C1837501, MONDO:0012106, OMIM 608716.

Allele frequency attached by ClinVar (database versions not stated): ESP Exome Variant Server 0.00008; gnomAD 0.00014 and 0.00021; TOPMed 0.00022; gnomAD exomes 0.00024 and 0.00031; ExAC 0.00034; 1000 Genomes Project 30x 0.00047; 1000 Genomes Project 0.00060.
gnomAD v4.1: 383 of 1,613,162 alleles (0.024%); highest among the groups gnomAD compares: East Asian, 0.69%; 5 homozygotes.

Submissions (3):

Labcorp Genetics (formerly Invitae), Labcorp
Classification: Benign. Last evaluated: 2026-01-06. Review status: criteria provided, single submitter. Criteria: Invitae Variant Classification Sherloc (09022015). Collection method: clinical testing. Allele origin: germline.

Illumina Laboratory Services, Illumina
Classification: Uncertain significance for Microcephaly 5, primary, autosomal recessive. Last evaluated: 2018-01-12. Review status: criteria provided, single submitter. Criteria: ICSL Variant Classification Criteria 13 December 2019. Collection method: clinical testing. Allele origin: germline.

GeneDx
Classification: Likely benign. Last evaluated: 2017-06-01. Review status: criteria provided, single submitter. Criteria: GeneDx Variant Classification (06012015). Collection method: clinical testing. Allele origin: germline. Affected: yes.
Comment: This variant is considered likely benign or benign based on one or more of the following criteria: it is a conservative change, it occurs at a poorly conserved position in the protein, it is predicted to be benign by multiple in silico algorithms, and/or has population frequency not consistent with disease.

NM_018136.5(ASPM):c.9833T>C (p.Val3278Ala)

Gene: ASPM (assembly factor for spindle microtubules; minus strand). Cytogenetic location: 1q31.3.
Variant type: single nucleotide variant.
Coding change: c.9833T>C on transcript NM_018136.5 (MANE Select); coding-DNA position 9833, T replaced by C.
Protein change: p.Val3278Ala; replaces valine 3278 with alanine.
Molecular consequence: missense variant.
Genome position (GRCh38, 1-based): chr1:197,090,081, A>G on the plus strand (T>C on the coding strand, the complement: ASPM is on the minus strand). VCF-style: chr1-197090081-A-G. GRCh37 (hg19) VCF-style: chr1-197059211-A-G.
Other names: c.5078T>C, p.Val1693Ala (NM_001206846.2); short protein forms V3278A, V1693A.
Identifiers: ClinVar variation 294599 (VCV000294599.13), dbSNP rs141348662, ClinGen allele CA1308835.